The following is an entry in ClinVar:

NM_000132.4(F8):c.2852C>G (p.Ser951Cys)

Gene: F8 (coagulation factor VIII; minus strand). Cytogenetic location: Xq28.
Variant type: single nucleotide variant.
Coding change: c.2852C>G on transcript NM_000132.4 (MANE Select); coding-DNA position 2852, C replaced by G.
Protein change: p.Ser951Cys; replaces serine 951 with cysteine.
Molecular consequence: missense variant.
Genome position (GRCh38, 1-based): chrX:154,930,938, G>C on the plus strand (C>G on the coding strand, the complement: F8 is on the minus strand). VCF-style: chrX-154930938-G-C. GRCh37 (hg19) VCF-style: chrX-154159213-G-C.
Other names: short protein forms S951C.
Identifiers: ClinVar variation 2682472 (VCV002682472.1), dbSNP rs138183956, ClinGen allele CA10568276.

ClinVar aggregate classification (germline): Uncertain significance (1 of 4 stars; one submission).

Allele frequency attached by ClinVar (database versions not stated): ExAC 0.00001; gnomAD exomes 0.00001 and 0.00002; TOPMed 0.00002; gnomAD 0.00003; ESP Exome Variant Server 0.00009.
gnomAD v4.1: 14 of 1,195,403 alleles (0.0012%); highest among the groups gnomAD compares: Non-Finnish European, 0.0016%; no homozygotes.

Submission:

Women's Health and Genetics/Laboratory Corporation of America, LabCorp
Classification: Uncertain significance. Last evaluated: 2023-11-13. Review status: criteria provided, single submitter. Criteria: LabCorp Variant Classification Summary - May 2015. Collection method: clinical testing. Allele origin: germline.
Comment: Variant summary: F8 c.2852C>G (p.Ser951Cys) results in a non-conservative amino acid change in the encoded protein sequence. Three of five in-silico tools predict a damaging effect of the variant on protein function. The variant allele was found at a frequency of 1.8e-05 in 166369 control chromosomes, predominantly at a frequency of 3.9e-05 within the Non-Finnish European subpopulation including 1 hemizygote in the gnomAD database. The available data on variant occurrences in the general population are insufficient to allow any conclusion about variant significance. To our knowledge, no occurrence of c.2852C>G in individuals affected with Factor VIII Deficiency (Hemophilia A) and no experimental evidence demonstrating its impact on protein function have been reported. No submitters have cited clinical-significance assessments for this variant to ClinVar after 2014. Based on the evidence outlined above, the variant was classified as VUS-possibly benign.